The following is an entry in ClinVar:

NM_000161.3(GCH1):c.635G>A (p.Cys212Tyr)

Gene: GCH1 (GTP cyclohydrolase 1; minus strand). Cytogenetic location: 14q22.2.
Variant type: single nucleotide variant.
Coding change: c.635G>A on transcript NM_000161.3 (MANE Select); coding-DNA position 635, G replaced by A.
Protein change: p.Cys212Tyr; replaces cysteine 212 with tyrosine.
Molecular consequence: missense variant. On other transcripts: intron variant (3).
Genome position (GRCh38, 1-based): chr14:54,844,135, C>T on the plus strand (G>A on the coding strand, the complement: GCH1 is on the minus strand). VCF-style: chr14-54844135-C-T. GRCh37 (hg19) VCF-style: chr14-55310853-C-T.
Other names: c.635G>A, p.Cys212Tyr (NM_001024024.2); c.341G>A, p.Cys114Tyr (NM_001424105.1); c.510-1081G>A (NM_001424104.1); c.627-1081G>A (NM_001024071.2); c.627-266G>A (NM_001024070.2); short protein forms C212Y, C114Y.
Identifiers: ClinVar variation 2947287 (VCV002947287.3), dbSNP rs2504336908, ClinGen allele CA389787226.

ClinVar aggregate classification (germline): Uncertain significance (1 of 4 stars; one submission).

Conditions:
GTP cyclohydrolase I deficiency. Identifiers: MedGen C0268467, MONDO:0100184.
Dystonia 5 (DRD). Also called: DYSTONIA, PROGRESSIVE, WITH DIURNAL VARIATION; DYSTONIA-PARKINSONISM WITH DIURNAL FLUCTUATION; GTP Cyclohydrolase 1-Deficient Dopa-Responsive Dystonia; DYT-GCH1; Dystonia, DOPA-responsive, with or without hyperphenylalaninemia. Identifiers: Orphanet 98808, MedGen C1851920, MONDO:0007495, OMIM 128230.

Submission:

Labcorp Genetics (formerly Invitae), Labcorp
Classification: Uncertain significance for GTP cyclohydrolase I deficiency; Dystonia 5. Last evaluated: 2023-04-29. Review status: criteria provided, single submitter. Criteria: Invitae Variant Classification Sherloc (09022015). Collection method: clinical testing. Allele origin: germline.
Comment: This variant has not been reported in the literature in individuals affected with GCH1-related conditions. This sequence change replaces cysteine, which is neutral and slightly polar, with tyrosine, which is neutral and polar, at codon 212 of the GCH1 protein (p.Cys212Tyr). This variant is not present in population databases (gnomAD no frequency). Advanced modeling of protein sequence and biophysical properties (such as structural, functional, and spatial information, amino acid conservation, physicochemical variation, residue mobility, and thermodynamic stability) performed at Invitae indicates that this missense variant is expected to disrupt GCH1 protein function. In summary, the available evidence is currently insufficient to determine the role of this variant in disease. Therefore, it has been classified as a Variant of Uncertain Significance.